The following is an entry in ClinVar:

NM_015205.3(ATP11A):c.2268C>T (p.Tyr756=)

Gene: ATP11A (ATPase phospholipid transporting 11A; plus strand). Cytogenetic location: 13q34.
Variant type: single nucleotide variant.
Coding change: c.2268C>T on transcript NM_015205.3 (MANE Select); coding-DNA position 2268, C replaced by T.
Protein change: p.Tyr756=; no amino-acid change (tyrosine 756 retained).
Molecular consequence: synonymous variant.
Genome position (GRCh38, 1-based): chr13:112,855,935, C>T. VCF-style: chr13-112855935-C-T. GRCh37 (hg19) VCF-style: chr13-113510249-C-T.
Other names: c.2268C>T, p.Tyr756= (NM_001405661.1, NM_001405662.1, NM_001405663.1 and 1 more transcripts).
Identifiers: ClinVar variation 5039455 (VCV005039455.1).

ClinVar aggregate classification (germline): Likely benign (1 of 4 stars; one submission).

gnomAD v4.1: 8 of 1,613,338 alleles (0.0005%); highest among the groups gnomAD compares: African/African-American, 0.0027%; no homozygotes.

Submission:

CeGaT Center for Human Genetics Tuebingen
Classification: Likely benign. Last evaluated: 2026-07-01. Review status: criteria provided, single submitter. Criteria: CeGaT Center For Human Genetics Tuebingen Variant Classification Criteria Version 2. Collection method: clinical testing. Allele origin: germline. Affected: yes. Observed: 1 variant allele.
Comment: ATP11A: BP4, BP7